The following is an entry in ClinVar:

ClinVar aggregate classification (germline): Uncertain significance (1 of 4 stars; one submission).

Allele frequency attached by ClinVar (database versions not stated): gnomAD 0.00001.
gnomAD v4.1: 4 of 1,613,972 alleles (0.00025%); highest among the groups gnomAD compares: South Asian, 0.0022%; no homozygotes.

Submission:

Labcorp Genetics (formerly Invitae), Labcorp
Classification: Uncertain significance. Last evaluated: 2023-12-30. Review status: criteria provided, single submitter. Criteria: Invitae Variant Classification Sherloc (09022015). Collection method: clinical testing. Allele origin: germline.
Comment: This sequence change replaces proline, which is neutral and non-polar, with threonine, which is neutral and polar, at codon 1045 of the COL2A1 protein (p.Pro1045Thr). This variant is not present in population databases (gnomAD no frequency). This variant has not been reported in the literature in individuals affected with COL2A1-related conditions. Advanced modeling of protein sequence and biophysical properties (such as structural, functional, and spatial information, amino acid conservation, physicochemical variation, residue mobility, and thermodynamic stability) performed at Invitae indicates that this missense variant is not expected to disrupt COL2A1 protein function with a negative predictive value of 95%. In summary, the available evidence is currently insufficient to determine the role of this variant in disease. Therefore, it has been classified as a Variant of Uncertain Significance.

NM_001844.5(COL2A1):c.3133C>A (p.Pro1045Thr)

Gene: COL2A1 (collagen type II alpha 1 chain; minus strand). Cytogenetic location: 12q13.11.
Variant type: single nucleotide variant.
Coding change: c.3133C>A on transcript NM_001844.5 (MANE Select); coding-DNA position 3133, C replaced by A.
Protein change: p.Pro1045Thr; replaces proline 1045 with threonine.
Molecular consequence: missense variant.
Genome position (GRCh38, 1-based): chr12:47,977,632, G>T on the plus strand (C>A on the coding strand, the complement: COL2A1 is on the minus strand). VCF-style: chr12-47977632-G-T. GRCh37 (hg19) VCF-style: chr12-48371415-G-T.
Other names: c.2926C>A, p.Pro976Thr (NM_033150.3); short protein forms P976T, P1045T.
Identifiers: ClinVar variation 2706613 (VCV002706613.3), dbSNP rs756815438, ClinGen allele CA384540555.
Genomic context (GRCh38, chr12:47,977,632, plus strand): 5'-ACTGCACACACAGACACCAGACACTCACCTTGACTCCAGCAGCGCCATCTCTGCCAGGGG[G>T]GCCATCAGCACCGGGGCTTCCCTGGACAAAGTGAAACAAGAATGCACTTAGAGCTGCTTC-3'
Protein context (NP_001835.3, residues 1035-1055): GREGSPGADG[Pro1045Thr]PGRDGAAGVK